The following is an entry in ClinVar:

ClinVar aggregate classification (germline): Uncertain significance (1 of 4 stars; one submission).

Submission:

GeneDx
Classification: Uncertain significance. Last evaluated: 2024-05-20. Review status: criteria provided, single submitter. Criteria: GeneDx Variant Classification Process June 2021. Collection method: clinical testing. Allele origin: germline. Affected: yes.
Comment: Not observed at significant frequency in large population cohorts (gnomAD); Canonical splice site variant with an unclear effect on protein function; Has not been previously published as pathogenic or benign to our knowledge

NM_001267550.2(TTN):c.39464-2A>G

Gene: TTN (titin; minus strand). Cytogenetic location: 2q31.2.
Variant type: single nucleotide variant.
Coding change: c.39464-2A>G on transcript NM_001267550.2 (MANE Select); the canonical splice acceptor site of the intron before coding-DNA position 39464, A replaced by G.
Molecular consequence: splice acceptor variant. On other transcripts: intron variant (3).
Genome position (GRCh38, 1-based): chr2:178,651,538, T>C on the plus strand (A>G on the coding strand, the complement: TTN is on the minus strand). VCF-style: chr2-178651538-T-C. GRCh37 (hg19) VCF-style: chr2-179516265-T-C.
Other names: c.13283-9221A>G (NM_003319.4); c.13859-9221A>G (NM_133437.4); c.13658-9221A>G (NM_133432.3); c.32162-2A>G (NM_133378.4); c.34943-2A>G (NM_001256850.1).
Identifiers: ClinVar variation 3381666 (VCV003381666.1).